The following is an entry in ClinVar:

ClinVar aggregate classification (germline): Uncertain significance (1 of 4 stars; one submission).

Conditions:
Malignant hyperthermia, susceptibility to, 1 (MHS1). Also called: Anesthesia related hyperthermia; Malignant hyperpyrexia; Fulminating hyperpyrexia; Pharmacogenic myopathy; RYR1-Related Malignant Hyperthermia Susceptibility; Malignant hyperthermia suceptibility 1. Identifiers: Orphanet 423, MedGen C2930980, MONDO:0007783, OMIM 145600.

Submission:

All of Us Research Program, National Institutes of Health
Classification: Uncertain significance for Malignant hyperthermia, susceptibility to, 1. Last evaluated: 2024-01-03. Review status: criteria provided, single submitter. Criteria: ACMG Guidelines, 2015. Collection method: clinical testing. Allele origin: germline. Inheritance: Autosomal dominant inheritance. Observed: 1 variant allele, 1 heterozygote.
Comment: This missense variant replaces leucine with valine at codon 3140 of the RYR1 protein. Computational prediction suggests that this variant may have deleterious impact on protein structure and function (internally defined REVEL score threshold >= 0.7, PMID: 27666373). To our knowledge, functional studies have not been reported for this variant. This variant has not been reported in individuals affected with RYR1-related disorders in the literature. This variant has not been identified in the general population by the Genome Aggregation Database (gnomAD). The available evidence is insufficient to determine the role of this variant in disease conclusively. Therefore, this variant is classified as a Variant of Uncertain Significance.

This study involves interpretation of variants in research participants for the purpose of population health screening. Participant phenotype was not available at the time of variant classification. Additional details can be found in publication PMID: 35346344, PMCID: PMC8962531

NM_000540.3(RYR1):c.9418C>G (p.Leu3140Val)

Gene: RYR1 (ryanodine receptor 1; plus strand). Cytogenetic location: 19q13.2.
Variant type: single nucleotide variant.
Coding change: c.9418C>G on transcript NM_000540.3 (MANE Select); coding-DNA position 9418, C replaced by G.
Protein change: p.Leu3140Val; replaces leucine 3140 with valine.
Molecular consequence: missense variant.
Genome position (GRCh38, 1-based): chr19:38,512,429, C>G. VCF-style: chr19-38512429-C-G. GRCh37 (hg19) VCF-style: chr19-39003069-C-G.
Other names: c.9418C>G, p.Leu3140Val (NM_001042723.2); short protein forms L3140V.
Identifiers: ClinVar variation 3075271 (VCV003075271.1), dbSNP rs2514407009, ClinGen allele CA405687444.